The following is an entry in ClinVar:

NM_002734.5(PRKAR1A):c.43C>T (p.Leu15Phe)

Gene: PRKAR1A (protein kinase cAMP-dependent type I regulatory subunit alpha; plus strand). Cytogenetic location: 17q24.2.
Variant type: single nucleotide variant.
Coding change: c.43C>T on transcript NM_002734.5 (MANE Select); coding-DNA position 43, C replaced by T.
Protein change: p.Leu15Phe; replaces leucine 15 with phenylalanine.
Molecular consequence: missense variant.
Genome position (GRCh38, 1-based): chr17:68,515,442, C>T. VCF-style: chr17-68515442-C-T. GRCh37 (hg19) VCF-style: chr17-66511583-C-T.
Other names: c.43C>T, p.Leu15Phe (NM_001276289.2, NM_001276290.1, NM_001278433.2 and 4 more transcripts); c.43C>T (NM_002734.3); short protein forms L15F.
Identifiers: ClinVar variation 2693260 (VCV002693260.4), dbSNP rs2143149707, ClinGen allele CA400751847.

ClinVar aggregate classification (germline): Uncertain significance. Review status: criteria provided, multiple submitters, no conflicts (2 of 4 stars). 2 submissions from 2 submitters: Uncertain significance (2). Last evaluated 2025-09-02.

Conditions:
Hereditary cancer-predisposing syndrome. Also called: Neoplastic Syndromes, Hereditary; Hereditary Cancer Syndrome; Tumor predisposition; Hereditary neoplastic syndrome. Identifiers: Orphanet 140162, MedGen C0027672, MeSH D009386, MONDO:0015356.
Carney complex, type 1 (CNC1). Also called: CARNEY COMPLEX, TYPE I; CARNEY MYXOMA-ENDOCRINE COMPLEX. Identifiers: Orphanet 1359, MedGen C2607929, MONDO:0008057, OMIM 160980.

Submissions (2):

Labcorp Genetics (formerly Invitae), Labcorp
Classification: Uncertain significance for Carney complex, type 1. Last evaluated: 2025-09-02. Review status: criteria provided, single submitter. Criteria: Invitae Variant Classification Sherloc (09022015). Collection method: clinical testing. Allele origin: germline.
Comment: This sequence change replaces leucine, which is neutral and non-polar, with phenylalanine, which is neutral and non-polar, at codon 15 of the PRKAR1A protein (p.Leu15Phe). This variant is not present in population databases (gnomAD no frequency). This variant has not been reported in the literature in individuals affected with PRKAR1A-related conditions. ClinVar contains an entry for this variant (Variation ID: 2693260). Invitae Evidence Modeling of protein sequence and biophysical properties (such as structural, functional, and spatial information, amino acid conservation, physicochemical variation, residue mobility, and thermodynamic stability) has been performed for this missense variant. However, the output from this modeling did not meet the statistical confidence thresholds required to predict the impact of this variant on PRKAR1A protein function. In summary, the available evidence is currently insufficient to determine the role of this variant in disease. Therefore, it has been classified as a Variant of Uncertain Significance.

Ambry Genetics
Classification: Uncertain significance for Hereditary cancer-predisposing syndrome. Last evaluated: 2025-04-01. Review status: criteria provided, single submitter. Criteria: Ambry Variant Classification Scheme 2023. Collection method: clinical testing. Allele origin: germline.
Comment: The p.L15F variant (also known as c.43C>T), located in coding exon 1 of the PRKAR1A gene, results from a C to T substitution at nucleotide position 43. The leucine at codon 15 is replaced by phenylalanine, an amino acid with highly similar properties. This amino acid position is highly conserved in available vertebrate species. In addition, the in silico prediction for this alteration is inconclusive. Based on the available evidence, the clinical significance of this variant remains unclear.